The following is an entry in ClinVar:

ClinVar aggregate classification (germline): Likely benign. Review status: criteria provided, multiple submitters, no conflicts (2 of 4 stars). 2 submissions from 2 submitters: Likely benign (2). Last evaluated 2025-12-24.

Conditions:
Peroxisome biogenesis disorder. Identifiers: Orphanet 79189, MedGen C1832200, MONDO:0019234. Disease mechanism: loss of function.
PEX16-related disorder. Also called: PEX16-related condition.

Allele frequency attached by ClinVar (database versions not stated): ExAC 0.00002; gnomAD exomes 0.00002; gnomAD 0.00003; ESP Exome Variant Server 0.00008.
gnomAD v4.1: 35 of 1,613,462 alleles (0.0022%); highest among the groups gnomAD compares: South Asian, 0.018%; 2 homozygotes.

Submissions (2):

Labcorp Genetics (formerly Invitae), Labcorp
Classification: Likely benign for Peroxisome biogenesis disorder. Last evaluated: 2025-12-24. Review status: criteria provided, single submitter. Criteria: Invitae Variant Classification Sherloc (09022015). Collection method: clinical testing. Allele origin: germline.

PreventionGenetics, part of Exact Sciences
Classification: Likely benign for PEX16-related condition. Last evaluated: 2025-04-24. Review status: criteria provided, single submitter. Criteria: ACMG Guidelines, 2015. Collection method: clinical testing. Allele origin: germline.
Comment: This variant is classified as likely benign based on ACMG/AMP sequence variant interpretation guidelines (Richards et al. 2015 PMID: 25741868, with internal and published modifications).

NM_004813.4(PEX16):c.921C>T (p.Ala307=)

Gene: PEX16 (peroxisomal biogenesis factor 16; minus strand). Cytogenetic location: 11p11.2.
Variant type: single nucleotide variant.
Coding change: c.921C>T on transcript NM_004813.4 (MANE Select); coding-DNA position 921, C replaced by T.
Protein change: p.Ala307=; no amino-acid change (alanine 307 retained).
Molecular consequence: synonymous variant.
Genome position (GRCh38, 1-based): chr11:45,910,929, G>A on the plus strand (C>T on the coding strand, the complement: PEX16 is on the minus strand). VCF-style: chr11-45910929-G-A. GRCh37 (hg19) VCF-style: chr11-45932480-G-A.
Other names: c.921C>T, p.Ala307= (NM_057174.3); c.921C>T (NM_004813.2).
Identifiers: ClinVar variation 1621371 (VCV001621371.9), dbSNP rs377151998, ClinGen allele CA5959764.